The following is an entry in ClinVar:

ClinVar aggregate classification (germline): Likely pathogenic (1 of 4 stars; one submission).

Conditions:
Hereditary cancer-predisposing syndrome. Also called: Tumor predisposition; Neoplastic Syndromes, Hereditary; Hereditary Cancer Syndrome; Hereditary neoplastic syndrome. Identifiers: Orphanet 140162, MedGen C0027672, MeSH D009386, MONDO:0015356.

Submission:

Ambry Genetics
Classification: Likely pathogenic for Hereditary cancer-predisposing syndrome. Last evaluated: 2024-11-11. Review status: criteria provided, single submitter. Criteria: Ambry Variant Classification Scheme 2023. Collection method: clinical testing. Allele origin: germline.
Comment: The p.K46* variant (also known as c.136A>T), located in coding exon 1 of the DICER1 gene, results from an A to T substitution at nucleotide position 136. This changes the amino acid from a lysine to a stop codon within coding exon 1. The predicted stop codon occurs in the 5&rsquo; end of theDICER1 gene. Premature termination codons in the 5&rsquo; end of a gene have been reported to escape nonsense-mediated mRNAdecay and/or lead to re-initiation (Rivas et al. Science. 2015 May 8;348(6235):666-9; Lindeboom et al. Nat Genet. 2016 Oct;48(10):1112-8; Rhee et al. Sci Rep. 2017 May 10;7(1):1653). Direct evidence for this alteration is unavailable, however premature termination codons are typically deleterious in nature. This variant is considered to be rare based on population cohorts in the Genome Aggregation Database (gnomAD). Based on the majority of available evidence to date, this variant is likely to be pathogenic.

NM_177438.3(DICER1):c.136A>T (p.Lys46Ter)

Gene: DICER1 (dicer 1, ribonuclease III; minus strand). Cytogenetic location: 14q32.13.
Variant type: single nucleotide variant.
Coding change: c.136A>T on transcript NM_177438.3 (MANE Select); coding-DNA position 136, A replaced by T.
Protein change: p.Lys46Ter; replaces lysine 46 with a stop codon.
Molecular consequence: nonsense. On other transcripts: 5 prime UTR variant (8), non-coding transcript variant (6), intron variant (1).
Genome position (GRCh38, 1-based): chr14:95,133,323, T>A on the plus strand (A>T on the coding strand, the complement: DICER1 is on the minus strand). VCF-style: chr14-95133323-T-A. GRCh37 (hg19) VCF-style: chr14-95599660-T-A.
Other names: c.136A>T, p.Lys46Ter (NM_001195573.1, NM_001271282.3, NM_001291628.2 and 14 more transcripts); c.-139A>T (NM_001395686.1, NM_001395688.1, NM_001395689.1 and 3 more transcripts); c.-323A>T (NM_001395691.1); c.-1433A>T (NM_001395697.1); c.-130-646A>T (NM_001395687.1); short protein forms K46*.
Identifiers: ClinVar variation 3501937 (VCV003501937.1).
Genomic context (GRCh38, chr14:95,133,323, plus strand): 5'-ATGTATTCCATTTTAGTGTAGAATGCTCCAGTATTAGTGTTCGCATTAGTACCTGATATT[T>A]TCTTGGCGTATAAATGTTATCATGAATTGCTTCTTGTTGCCATGGCAGTCCAAAGAAAGG-3'